The following is an entry in ClinVar:

ClinVar aggregate classification (germline): Uncertain significance (1 of 4 stars; one submission).

Conditions:
Cardiovascular phenotype. Identifiers: MedGen CN230736.

gnomAD v4.1: 1 of 1,614,030 alleles (0.000062%); highest among the groups gnomAD compares: Admixed American, 0.0017%; no homozygotes.

Submission:

Ambry Genetics
Classification: Uncertain significance for Cardiovascular phenotype. Last evaluated: 2025-09-12. Review status: criteria provided, single submitter. Criteria: Ambry Variant Classification Scheme 2023. Collection method: clinical testing. Allele origin: germline.
Comment: The p.S1846L variant (also known as c.5537C>T), located in coding exon 38 of the ANK2 gene, results from a C to T substitution at nucleotide position 5537. The serine at codon 1846 is replaced by leucine, an amino acid with dissimilar properties. This amino acid position is conserved. In addition, the in silico prediction for this alteration is inconclusive. Based on the available evidence, the clinical significance of this variant remains unclear.

NM_001148.6(ANK2):c.5537C>T (p.Ser1846Leu)

Genes: ANK2 (ankyrin 2; plus strand), LOC126807136 (MED14-independent group 3 enhancer GRCh37_chr4:114274931-114276130; plus strand). Cytogenetic location: 4q26.
Variant type: single nucleotide variant.
Coding change: c.5537C>T on transcript NM_001148.6 (MANE Select); coding-DNA position 5537, C replaced by T.
Protein change: p.Ser1846Leu; replaces serine 1846 with leucine.
Molecular consequence: missense variant. On other transcripts: intron variant (68).
Genome position (GRCh38, 1-based): chr4:113,354,155, C>T. VCF-style: chr4-113354155-C-T. GRCh37 (hg19) VCF-style: chr4-114275311-C-T.
Other names: c.5303C>T, p.Ser1768Leu (NM_001386142.1); c.1937C>T, p.Ser646Leu (NM_001386166.1); c.5678C>T, p.Ser1893Leu (NM_001386174.1); c.5654C>T, p.Ser1885Leu (NM_001386175.1); c.4411+3906C>T (NM_001386186.2, NM_001386148.2); c.4213+3906C>T (NM_001354269.3); c.4291+3906C>T (NM_001386187.2); c.4252+3906C>T (NM_001386147.1); and 35 more; short protein forms S1846L, S1893L, S1768L, S1885L, S646L.
Identifiers: ClinVar variation 4096970 (VCV004096970.1).